The following is an entry in ClinVar:

ClinVar aggregate classification (germline): Uncertain significance (1 of 4 stars; one submission).

Submission:

GeneDx
Classification: Uncertain significance. Last evaluated: 2024-06-30. Review status: criteria provided, single submitter. Criteria: GeneDx Variant Classification Process June 2021. Collection method: clinical testing. Allele origin: germline. Affected: yes.
Comment: Not observed at significant frequency in large population cohorts (gnomAD); In silico analysis supports that this missense variant has a deleterious effect on protein structure/function; Has not been previously published as pathogenic or benign to our knowledge

NM_006440.5(TXNRD2):c.1423C>G (p.Gln475Glu)

Gene: TXNRD2 (thioredoxin reductase 2; minus strand). Cytogenetic location: 22q11.21.
Variant type: single nucleotide variant.
Coding change: c.1423C>G on transcript NM_006440.5 (MANE Select); coding-DNA position 1423, C replaced by G.
Protein change: p.Gln475Glu; replaces glutamine 475 with glutamic acid.
Molecular consequence: missense variant. On other transcripts: non-coding transcript variant (1).
Genome position (GRCh38, 1-based): chr22:19,878,112, G>C on the plus strand (C>G on the coding strand, the complement: TXNRD2 is on the minus strand). VCF-style: chr22-19878112-G-C. GRCh37 (hg19) VCF-style: chr22-19865635-G-C.
Other names: c.1420C>G, p.Gln474Glu (NM_001352300.2); c.1333C>G, p.Gln445Glu (NM_001352301.2); c.1135C>G, p.Gln379Glu (NM_001352302.2); short protein forms Q379E, Q474E, Q445E, Q475E.
Identifiers: ClinVar variation 3393690 (VCV003393690.1).